The following is an entry in ClinVar:

ClinVar aggregate classification (germline): Pathogenic. Review status: criteria provided, single submitter (1 of 4 stars). 2 submissions from 1 submitter: Pathogenic (2). Last evaluated 2017-06-15.

Conditions:
Familial focal epilepsy with variable foci (FPEVF). Identifiers: Orphanet 98820, MedGen C1858477, MONDO:0020310.
Epilepsy, familial focal, with variable foci 1 (FFEVF1). Also called: DEPDC5-Related Epilepsy. Identifiers: MedGen C4551983, MONDO:0024556, OMIM 604364.

Submissions (2):

Labcorp Genetics (formerly Invitae), Labcorp
Classification: Pathogenic for Familial focal epilepsy with variable foci. Last evaluated: 2017-06-15. Review status: criteria provided, single submitter. Criteria: Invitae Variant Classification Sherloc (09022015). Collection method: clinical testing. Allele origin: germline.
Comment: This variant is an out-of-frame deletion of the genomic region encompassing exons 3-8 of the DEPDC5 gene. This creates a premature translational stop signal and is expected to result in an absent or disrupted protein product. While this particular variant has not been reported in the literature, loss-of-function variants in DEPDC5 are known to be pathogenic (PMID: 26505888). For these reasons, this variant has been classified as Pathogenic.

Labcorp Genetics (formerly Invitae), Labcorp
Classification: Pathogenic for Familial focal epilepsy with variable foci. Last evaluated: 2017-06-03. Review status: criteria provided, single submitter. Criteria: Invitae Variant Classification Sherloc (09022015). Collection method: clinical testing. Allele origin: germline.
Comment: For these reasons, this variant has been classified as Pathogenic. While this particular variant has not been reported in the literature, loss-of-function variants in DEPDC5 are known to be pathogenic (PMID: 26505888). This variant is an out-of-frame deletion of the genomic region encompassing exons 3-8 of the DEPDC5 gene. This creates a premature translational stop signal and is expected to result in an absent or disrupted protein product.

Literature cited by the submitters: PubMed 26505888.

NC_000022.10:g.(?_32154512)_(32174174_?)del

Gene: DEPDC5 (DEP domain containing 5, GATOR1 subcomplex subunit; plus strand). Cytogenetic location: 22q12.2.
Variant type: Deletion.
Identifiers: ClinVar variation 466446 (VCV000466446.8).